The following continues an entry in ClinVar:

NM_007294.4(BRCA1):c.5497G>A (p.Val1833Met)

Gene: BRCA1. ClinVar aggregate classification (germline): Pathogenic/Likely pathogenic. Pathogenic (6); Likely pathogenic (5).

Submissions 7 to 16 of 16:

Women's Health and Genetics/Laboratory Corporation of America, LabCorp
Classification: Pathogenic for Hereditary breast ovarian cancer syndrome. Last evaluated: 2022-11-16. Review status: criteria provided, single submitter. Criteria: LabCorp Variant Classification Summary - May 2015. Collection method: clinical testing. Allele origin: germline.
Comment: Variant summary: BRCA1 c.5497G>A (p.Val1833Met) results in a conservative amino acid change located in the BRCT domain (IPR001357) of the encoded protein sequence. Four of five in-silico tools predict a damaging effect of the variant on protein function. Several in silico studies also predict a deleterious outcome for the variant (Carvalho_2009, Karchin_2007, Pavlicek_2004, Zhang_1998). Functional studies are in agreement with these predictions demonstrating that although the variant confers normal binding activity, it results in considerably reduced transcriptional activity and destabilizes the protein (Carvalho_2009, Fernandes_2019, Lee_2010, Rowling_2010, Woods_2016). At least one functional study reports experimental evidence evaluating an impact on protein function a damaging effect of this variant on homology directed repair (HDR) activity (e.g. Findlay_2018). HDR assays qualify as a recognized gold standard on the basis of updated guidance provided by the ClinGen Sequence Variant Interpretation (SVI) working group. The variant allele was found at a frequency of 4e-06 in 251228 control chromosomes (gnomAD). c.5497G>A has been reported in the literature in multiple individuals affected with Hereditary Breast and Ovarian Cancer, including at least one family with evidence of co-segregation with disease (Fostira_2019, Judkins_2005, Kotoula_2017, Pal_2005, Stavropoulou_2013). These data indicate that the variant is very likely to be associated with disease. Eight ClinVar submitters (evaluation after 2014) cite the variant as likely pathogenic. Based on the evidence outlined above, the variant was classified as pathogenic.

Mendelics
Classification: Pathogenic for Familial cancer of breast. Last evaluated: 2022-05-04. Review status: criteria provided, single submitter. Criteria: Mendelics Assertion Criteria 2019. Collection method: clinical testing. Allele origin: germline.

Institute of Medical Genetics and Applied Genomics, University Hospital Tübingen
Classification: Likely pathogenic. Last evaluated: 2020-10-23. Review status: criteria provided, single submitter. Criteria: ACMG Guidelines, 2015. Collection method: clinical testing. Allele origin: germline. Inheritance: Autosomal unknown. Affected: yes.

GeneKor MSA
Classification: Likely pathogenic for Hereditary breast and ovarian cancer syndrome. Last evaluated: 2020-01-01. Review status: criteria provided, single submitter. Criteria: ACMG Guidelines, 2015. Collection method: clinical testing. Allele origin: germline. Affected: yes.
Comment: This sequence change replaces Valine with Methionine at codon 1833 of the BRCA1 protein. The Valine residue is highly conserved among species and it is located within the BRCT domain that is important for BRCA1 function. There is a small physiochemical difference between Valine and Methionine (Grantham Score 21). This variant is also known as 5616G>A and it has been reported in the literature in individuals and families with breast and/or ovarian cancer, with some evidence of segregation with disease in a single family (PMID: 23536787, 12142080). To our Knowledge, this variant is not present in population databases (rs80357268). The mutation database ClinVar contains entries for this variant (Variation ID: 55598). Algorithms developed to predict the effect of missense changes on protein structure and function suggest that this variant may be damaging to the protein. These predictions have been also confirmed by published functional studies. Experimental studies have shown that this missense change affects protein folding and stability, as well as functional activity of the BRCA1 protein (PMID: 18992264, 20378548).

GeneDx
Classification: Likely pathogenic. Last evaluated: 2016-05-06. Review status: criteria provided, single submitter. Criteria: GeneDx Variant Classification (06012015). Collection method: clinical testing. Allele origin: germline. Affected: yes.
Comment: This variant is denoted BRCA1 c.5497G>A at the cDNA level, p.Val1833Met (V1833M) at the protein level, and results in the change of a Valine to a Methionine (GTG>ATG). This variant, also published as BRCA1 5616G>A using alternate nomenclature, has been reported in association with breast and ovarian cancer (Ladopoulou 2002, Pal 2005, Stavropoulou 2013). While BRCA1 Val1833Met has been associated with binding activity similar to wild type, functional assays also report it significantly reduces, but does not destroy, transactivation activity in both yeast and human embryonic cell models, mildly to severely impacts protein thermostability, and abrogates the small colony phenotype in yeast (Coyne 2004, Nikolopoulos 2007, Carvalho 2009, Lee 2010, Rowling 2010). BRCA1 Val1833Met was not observed in approximately 6,500 individuals of European and African American ancestry in the NHLBI Exome Sequencing Project, suggesting it is not a common benign variant in these populations. Since Valine and Methionine share similar properties, this is considered a conservative amino acid substitution. BRCA1 Val1833Met occurs at a position that is conserved in mammals and is located within the BRCT2 domain and a region known to interact with multiple proteins (Paul 2014, UniProt). In silico analyses predict that this variant is probably damaging to protein structure and function. Based on the currently available evidence, we consider BRCA1 Val1833Met to be a likely pathogenic variant.

BRCAlab, Lund University
Classification: Likely pathogenic for Breast-ovarian cancer, familial, susceptibility to, 1. Last evaluated: 2020-03-02. Review status: no assertion criteria provided. Collection method: clinical testing. Allele origin: germline. Affected: yes. Not counted in ClinVar's aggregate classification.

Sharing Clinical Reports Project (SCRP)
Classification: Pathogenic for Breast-ovarian cancer, familial 1. Last evaluated: 2012-10-15. Review status: no assertion criteria provided. Collection method: clinical testing. Allele origin: germline. Not counted in ClinVar's aggregate classification.

Breast Cancer Information Core (BIC) (BRCA1)
Classification: Uncertain significance for Breast-ovarian cancer, familial 1. Last evaluated: 2004-02-20. Review status: no assertion criteria provided. Collection method: clinical testing. Allele origin: germline. Affected: yes. Observed: 4 variant alleles. Not counted in ClinVar's aggregate classification.

Brotman Baty Institute, University of Washington
No classification provided (evidence only). Condition: Breast-ovarian cancer, familial 1. Review status: no classification provided. Collection method: in vitro. Allele origin: not applicable. Functional consequence: functionally_abnormal. Not counted in ClinVar's aggregate classification.
ClinVar note: "not provided" was previously submitted as the classification for the variant. However, the classification appeared to be based only on an observation of functional data so it was converted to no classification on 2025-07-30.

Department of Pathology and Laboratory Medicine, Sinai Health System
Classification: Uncertain significance. Review status: no assertion criteria provided. Collection method: clinical testing. Allele origin: unknown. Affected: yes. Observed: 1 variant allele. Study: The Canadian Open Genetics Repository (COGR). Not counted in ClinVar's aggregate classification.

Literature cited by the submitters: PubMed 10923033 (cited by Labcorp Genetics (formerly Invitae), Labcorp); PubMed 12142080 (cited by 3 submitters); PubMed 16284991 (cited by 4 submitters); PubMed 23536787 (cited by 5 submitters); PubMed 30209399 (cited by 4 submitters); PubMed 15004537 (cited by 4 submitters); PubMed 17493881 (cited by 5 submitters); PubMed 18992264 (cited by 5 submitters); PubMed 20378548 (cited by 5 submitters); PubMed 20516115 (cited by 3 submitters); PubMed 20526115 (cited by 3 submitters); PubMed 28781887 (cited by 3 submitters); PubMed 15172985 (cited by 3 submitters); PubMed 17305420 (cited by 3 submitters); PubMed 31300551 (cited by Ambry Genetics and Women's Health and Genetics/Laboratory Corporation of America, LabCorp); PubMed 31447071 (cited by 3 submitters); PubMed 21447777 (cited by Quest Diagnostics Nichols Institute San Juan Capistrano); PubMed 30765603 (cited by Quest Diagnostics Nichols Institute San Juan Capistrano and Women's Health and Genetics/Laboratory Corporation of America, LabCorp); PubMed 14534301 (cited by Quest Diagnostics Nichols Institute San Juan Capistrano); PubMed 26295337 (cited by Quest Diagnostics Nichols Institute San Juan Capistrano); PubMed 32546644 (cited by Color Diagnostics, LLC DBA Color Health); PubMed 35039532 (cited by Color Diagnostics, LLC DBA Color Health); PubMed 16267036 (cited by Women's Health and Genetics/Laboratory Corporation of America, LabCorp); PubMed 15385441 (cited by Women's Health and Genetics/Laboratory Corporation of America, LabCorp); PubMed 9799248 (cited by Women's Health and Genetics/Laboratory Corporation of America, LabCorp); PubMed 28123851 (cited by Women's Health and Genetics/Laboratory Corporation of America, LabCorp); Ladopolou-et-al.,-Cancer-Lett,-185:61,-2002 (cited by Breast Cancer Information Core (BIC) (BRCA1)).